The following is an entry in ClinVar:

NC_000005.10:g.112851103C>A

Variant type: single nucleotide variant.
Genome position: GRCh38 VCF-style: chr5-112851103-C-A. GRCh37 (hg19) VCF-style: chr5-112186800-C-A.
Identifiers: ClinVar variation 82695 (VCV000082695.3), dbSNP rs77018630, ClinGen allele CA250835.

ClinVar aggregate classification (germline): other (0 of 4 stars; one submission).

Conditions:
Familial colorectal cancer. Identifiers: MedGen CN280943, MONDO:0023113. Disease mechanism: loss of function.

Submission:

Systems Biology Platform Zhejiang California International NanoSystems Institute
Classification: other for Familial colorectal cancer. Review status: no assertion criteria provided. Collection method: not provided. Allele origin: unknown.
ClinVar note: Converted during submission from cancer to other.